The following is an entry in ClinVar:

NM_053025.4(MYLK):c.1072G>A (p.Ala358Thr)

Gene: MYLK (myosin light chain kinase; minus strand). Cytogenetic location: 3q21.1.
Variant type: single nucleotide variant.
Coding change: c.1072G>A on transcript NM_053025.4 (MANE Select); coding-DNA position 1072, G replaced by A.
Protein change: p.Ala358Thr; replaces alanine 358 with threonine.
Molecular consequence: missense variant.
Genome position (GRCh38, 1-based): chr3:123,733,924, C>T on the plus strand (G>A on the coding strand, the complement: MYLK is on the minus strand). VCF-style: chr3-123733924-C-T. GRCh37 (hg19) VCF-style: chr3-123452771-C-T.
Other names: c.544G>A, p.Ala182Thr (NM_001321309.2); c.1072G>A, p.Ala358Thr (NM_053026.4, NM_053027.4, NM_053028.4); short protein forms A182T, A358T.
Identifiers: ClinVar variation 1783927 (VCV001783927.5), dbSNP rs994582240, ClinGen allele CA82942998.

ClinVar aggregate classification (germline): Uncertain significance. Review status: criteria provided, multiple submitters, no conflicts (2 of 4 stars). 3 submissions from 3 submitters: Uncertain significance (3). Last evaluated 2025-06-09.

Conditions:
Familial thoracic aortic aneurysm and aortic dissection (TAAD). Also called: Thoracic aortic aneurysms and dissections. Identifiers: Orphanet 91387, MedGen C4707243, MONDO:0019625.

gnomAD v4.1: 1 of 1,614,218 alleles (0.000062%); no homozygotes.

Submissions (3):

Ambry Genetics
Classification: Uncertain significance for Familial thoracic aortic aneurysm and aortic dissection. Last evaluated: 2025-06-09. Review status: criteria provided, single submitter. Criteria: Ambry Variant Classification Scheme 2023. Collection method: clinical testing. Allele origin: germline.
Comment: The p.A358T variant (also known as c.1072G>A), located in coding exon 7 of the MYLK gene, results from a G to A substitution at nucleotide position 1072. The alanine at codon 358 is replaced by threonine, an amino acid with similar properties. This amino acid position is not well conserved in available vertebrate species. In addition, this alteration is predicted to be tolerated by in silico analysis. Since supporting evidence is limited at this time, the clinical significance of this alteration remains unclear.

GeneDx
Classification: Uncertain significance. Last evaluated: 2024-05-29. Review status: criteria provided, single submitter. Criteria: GeneDx Variant Classification Process June 2021. Collection method: clinical testing. Allele origin: germline. Affected: yes.
Comment: Has not been previously published as pathogenic or benign to our knowledge; Not observed at significant frequency in large population cohorts (gnomAD); In silico analysis indicates that this missense variant does not alter protein structure/function

Blueprint Genetics
Classification: Uncertain significance. Last evaluated: 2024-05-03. Review status: criteria provided, single submitter. Criteria: ACMG Guidelines, 2015. Collection method: clinical testing. Allele origin: germline.